The following is an entry in ClinVar:

NM_001375567.1(FOCAD):c.4729-16_4729-5dup

Gene: FOCAD (focadhesin; plus strand). Cytogenetic location: 9p21.3.
Variant type: Duplication.
Coding change: c.4729-16_4729-5dup on transcript NM_001375567.1 (MANE Select); 16 bases into the intron before coding-DNA position 4729 through 5 bases into the intron before coding-DNA position 4729, 12 bases duplicated (TTTTTTTTTTTT).
Molecular consequence: intron variant.
Genome position (GRCh38, 1-based): chr9:20,986,272-20,986,283, TTTTTTTTTTTT duplicated; duplicating any 12 consecutive bases within chr9:20,986,267-20,986,283 gives the same sequence; the c. name uses the placement nearest the transcript's 3' end. VCF-style (leftmost placement, unchanged base first): chr9-20986266-A-ATTTTTTTTTTTT. GRCh37 (hg19) VCF-style: chr9-20986265-A-ATTTTTTTTTTTT.
Other names: c.4729-16_4729-5dup (NM_017794.5); c.4624-16_4624-5dup (NM_001375568.1, NM_001375570.1).
Identifiers: ClinVar variation 4084365 (VCV004084365.8).

ClinVar aggregate classification (germline): Likely benign (1 of 4 stars; one submission).

Submission:

CeGaT Center for Human Genetics Tuebingen
Classification: Likely benign. Last evaluated: 2026-04-01. Review status: criteria provided, single submitter. Criteria: CeGaT Center For Human Genetics Tuebingen Variant Classification Criteria Version 2. Collection method: clinical testing. Allele origin: germline. Affected: yes. Observed: 2 variant alleles.
Comment: FOCAD: BP4, BS2